The following is an entry in ClinVar:

NM_032217.5(ANKRD17):c.2931T>C (p.Leu977=)

Gene: ANKRD17 (ankyrin repeat domain 17; minus strand). Cytogenetic location: 4q13.3.
Variant type: single nucleotide variant.
Coding change: c.2931T>C on transcript NM_032217.5 (MANE Select); coding-DNA position 2931, T replaced by C.
Protein change: p.Leu977=; no amino-acid change (leucine 977 retained).
Molecular consequence: synonymous variant. On other transcripts: intron variant (1).
Genome position (GRCh38, 1-based): chr4:73,139,685, A>G on the plus strand (T>C on the coding strand, the complement: ANKRD17 is on the minus strand). VCF-style: chr4-73139685-A-G. GRCh37 (hg19) VCF-style: chr4-74005402-A-G.
Other names: c.2592T>C, p.Leu864= (NM_001286771.3); c.2931T>C, p.Leu977= (NM_015574.2); c.2332+2056T>C (NM_198889.3).
Identifiers: ClinVar variation 2654819 (VCV002654819.24), dbSNP rs147566846, ClinGen allele CA2958653.

ClinVar aggregate classification (germline): Benign (1 of 4 stars; one submission).

Allele frequency attached by ClinVar (database versions not stated): 1000 Genomes Project 0.00220; 1000 Genomes Project 30x 0.00281; ESP Exome Variant Server 0.00308.
gnomAD v4.1: 754 of 1,614,094 alleles (0.047%); highest among the groups gnomAD compares: African/African-American, 0.85%; 4 homozygotes.

Submission:

CeGaT Center for Human Genetics Tuebingen
Classification: Benign. Last evaluated: 2022-04-01. Review status: criteria provided, single submitter. Criteria: CeGaT Center For Human Genetics Tuebingen Variant Classification Criteria Version 2. Collection method: clinical testing. Allele origin: germline. Affected: yes. Observed: 1 variant allele.
Comment: ANKRD17: BS1, BS2